The following is an entry in ClinVar:

ClinVar aggregate classification (germline): Uncertain significance (1 of 4 stars; one submission).

Allele frequency attached by ClinVar (database versions not stated): TOPMed 0.00001.

Submission:

GeneDx
Classification: Uncertain significance. Last evaluated: 2018-05-16. Review status: criteria provided, single submitter. Criteria: GeneDx Variant Classification (06012015). Collection method: clinical testing. Allele origin: germline. Affected: yes.
Comment: The N292K variant in the HNRNPA1 gene has not been reported previously as a pathogenic variant, nor as a benign variant, to our knowledge. The N292K variant is not observed at a significant frequency in large population cohorts (Lek et al., 2016; 1000 Genomes Consortium et al., 2015; Exome Variant Server). The N292K variant is a semi-conservative amino acid substitution, which may impact secondary protein structure as these residues differ in some properties. This substitution occurs at a position that is conserved across species. In silico analysis is inconsistent in its predictions as to whether or not the variant is damaging to the protein structure/function. We interpret N292K as a variant of uncertain significance

NM_031157.4(HNRNPA1):c.876C>G (p.Asn292Lys)

Gene: HNRNPA1 (heterogeneous nuclear ribonucleoprotein A1; plus strand). Cytogenetic location: 12q13.13.
Variant type: single nucleotide variant.
Coding change: c.876C>G on transcript NM_031157.4 (MANE Select); coding-DNA position 876, C replaced by G.
Protein change: p.Asn292Lys; replaces asparagine 292 with lysine.
Molecular consequence: missense variant. On other transcripts: intron variant (1).
Genome position (GRCh38, 1-based): chr12:54,283,203, C>G. VCF-style: chr12-54283203-C-G. GRCh37 (hg19) VCF-style: chr12-54676987-C-G.
Other names: c.751+329C>G (NM_002136.4); short protein forms N292K.
Identifiers: ClinVar variation 432489 (VCV000432489.2), dbSNP rs547478895, ClinGen allele CA6606351.